The following is an entry in ClinVar:

ClinVar aggregate classification (germline): Uncertain significance (1 of 4 stars; one submission).

Conditions:
Inborn genetic diseases. Identifiers: MedGen C0950123, MeSH D030342.

Submission:

Ambry Genetics
Classification: Uncertain significance for Inborn genetic diseases. Last evaluated: 2025-04-19. Review status: criteria provided, single submitter. Criteria: Ambry Variant Classification Scheme 2023. Collection method: clinical testing. Allele origin: germline.
Comment: The p.L69F variant (also known as c.207G>C), located in coding exon 3 of the FANCG gene, results from a G to C substitution at nucleotide position 207. The leucine at codon 69 is replaced by phenylalanine, an amino acid with highly similar properties. This amino acid position is conserved. In addition, the in silico prediction for this alteration is inconclusive. Based on the available evidence, the clinical significance of this variant remains unclear.

NM_004629.2(FANCG):c.207G>C (p.Leu69Phe)

Gene: FANCG (FA complementation group G; minus strand). Cytogenetic location: 9p13.3.
Variant type: single nucleotide variant.
Coding change: c.207G>C on transcript NM_004629.2 (MANE Select); coding-DNA position 207, G replaced by C.
Protein change: p.Leu69Phe; replaces leucine 69 with phenylalanine.
Molecular consequence: missense variant.
Genome position (GRCh38, 1-based): chr9:35,078,705, C>G on the plus strand (G>C on the coding strand, the complement: FANCG is on the minus strand). VCF-style: chr9-35078705-C-G. GRCh37 (hg19) VCF-style: chr9-35078702-C-G.
Other names: short protein forms L69F.
Identifiers: ClinVar variation 4022497 (VCV004022497.1).
Genomic context (GRCh38, chr9:35,078,705, plus strand): 5'-TGTGAAACCCTGGGCCAAGCTTGCCCTCAGGATAATGAAGTTGCAGGTGACAGTCAGCTC[C>G]AAGGGAAGAACAGGAACAGCTGCAGGGAGCCCTGGAGCAACAATGTTGGTCTTACAGACT-3'
Protein context (NP_004620.1, residues 59-79): GLPAAVPVLP[Leu69Phe]ELTVTCNFII